The following is an entry in ClinVar:

ClinVar aggregate classification (germline): Pathogenic (1 of 4 stars; one submission).

Submission:

Labcorp Genetics (formerly Invitae), Labcorp
Classification: Pathogenic. Last evaluated: 2022-07-25. Review status: criteria provided, single submitter. Criteria: Invitae Variant Classification Sherloc (09022015). Collection method: clinical testing. Allele origin: germline.
Comment: This sequence change inserts a large fragment of DNA, likely a transposable element, in exon 26 of the TRPM1 gene (c.3472_3473ins?), causing a frameshift at codon 1158 (p.Phe1158fs). The exact size and sequence of the insertion cannot be determined by the current assay. However, the insertion is expected to result in an absent or disrupted protein product. This variant is not present in population databases (gnomAD no frequency). This variant has not been reported in the literature in individuals affected with TRPM1-related conditions. ClinVar contains an entry for this variant (Variation ID: 1452847). Algorithms developed to predict the effect of sequence changes on RNA splicing suggest that this variant may create or strengthen a splice site. Retrotransposon insertions including LINE1 (L1), Alu, and SVA (SINE-VNTR-Alu) have been reported to be disease-causing through disruption of either a coding region or splice site (PMID: 19763152, 20307669, 22406018) and loss-of-function variants in TRPM1 are known to be pathogenic (PMID: 19896113, 19966281, 20300565). For these reasons, this variant has been classified as Pathogenic.

Literature cited by the submitters: PubMed 19763152; PubMed 20307669; PubMed 22406018; PubMed 19896113; PubMed 19966281; PubMed 20300565.

NM_001252024.2(TRPM1):c.3538_3539insGAGCCGAGATTGCGCCACTGCAGTCCGCAGTCCGGCCTGGGCGACAGAGCGAGACTCCGTCTCAAAAAAAANNNNNNNNNNAAAAAAAAAAAAAAAAAAAAAAAGAGGCTGCATGAGT (p.Phe1180Ter)

Genes: TRPM1 (transient receptor potential cation channel subfamily M member 1; minus strand), TRPM1-AS1 (TRPM1 antisense RNA 1; plus strand), LOC126862088 (BRD4-independent group 4 enhancer GRCh37_chr15:31318084-31319283; plus strand). Cytogenetic location: 15q13.3.
Variant type: Insertion.
Coding change: c.3538_3539insGAGCCGAGATTGCGCCACTGCAGTCCGCAGTCCGGCCTGGGCGACAGAGCGAGACTCCGTCTCAAAAAAAANNNNNNNNNNAAAAAAAAAAAAAAAAAAAAAAAGAGGCTGCATGAGT on transcript NM_001252024.2 (MANE Select); coding-DNA positions 3538 to 3539, GAGCCGAGATTGCGCCACTGCAGTCCGCAGTCCGGCCTGGGCGACAGAGCGAGACTCCGTCTCAAAAAAAANNNNNNNNNNAAAAAAAAAAAAAAAAAAAAAAAGAGGCTGCATGAGT inserted.
Protein change: p.Phe1180Ter; replaces phenylalanine 1180 with a stop codon.
Molecular consequence: nonsense.
Genome position: GRCh38: chr15:31,026,246-31,026,247. GRCh37 (hg19): chr15:31,318,449-31,318,450.
Other names: c.3589_3590insGAGCCGAGATTGCGCCACTGCAGTCCGCAGTCCGGCCTGGGCGACAGAGCGAGACTCCGTCTCAAAAAAAANNNNNNNNNNAAAAAAAAAAAAAAAAAAAAAAAGAGGCTGCATGAGT, p.Phe1197Ter (NM_001252020.2); c.3472_3473insGAGCCGAGATTGCGCCACTGCAGTCCGCAGTCCGGCCTGGGCGACAGAGCGAGACTCCGTCTCAAAAAAAANNNNNNNNNNAAAAAAAAAAAAAAAAAAAAAAAGAGGCTGCATGAGT, p.Phe1158Ter (NM_002420.6); short protein forms F1158*, F1180*, F1197*.
Identifiers: ClinVar variation 1452847 (VCV001452847.6), dbSNP rs2140899111.